The following is an entry in ClinVar:

ClinVar aggregate classification (germline): Pathogenic (1 of 4 stars; one submission).

Conditions:
Autosomal recessive nonsyndromic hearing loss 21. Identifiers: Orphanet 90636, MedGen C1863655, MONDO:0011351, OMIM 603629.

Submission:

Institute of Rare Diseases, West China Hospital, Sichuan University
Classification: Pathogenic for Autosomal recessive nonsyndromic hearing loss 21. Last evaluated: 2025-01-09. Review status: criteria provided, single submitter. Criteria: ClinGen HL ACMG Specifications v1. Collection method: research. Allele origin: germline. Affected: yes.
Comment: PVS1;PM3_Supporting;PM2_Supporting

NM_005422.4(TECTA):c.3060_3061insAAGAGTCTGAACCAAGGGAGGAGCAGTGGCGTGGAAAGGGTTGTCAGCTAAGA (p.Glu1021delinsLysSerLeuAsnGlnGlyArgSerSerGlyValGluArgValValSerTer)

Genes: TECTA (tectorin alpha; plus strand), TBCEL-TECTA (TBCEL-TECTA readthrough; plus strand). Cytogenetic location: 11q23.3.
Variant type: Insertion.
Coding change: c.3060_3061insAAGAGTCTGAACCAAGGGAGGAGCAGTGGCGTGGAAAGGGTTGTCAGCTAAGA on transcript NM_005422.4 (MANE Select); coding-DNA positions 3060 to 3061, AAGAGTCTGAACCAAGGGAGGAGCAGTGGCGTGGAAAGGGTTGTCAGCTAAGA inserted.
Protein change: p.Glu1021delinsLysSerLeuAsnGlnGlyArgSerSerGlyValGluArgValValSerTer.
Molecular consequence: nonsense.
Genome position: GRCh38: chr11:121,137,539-121,137,540. GRCh37 (hg19): chr11:121,008,248-121,008,249.
Other names: c.4017_4018insAAGAGTCTGAACCAAGGGAGGAGCAGTGGCGTGGAAAGGGTTGTCAGCTAAGA, p.Glu1340delinsLysSerLeuAsnGlnGlyArgSerSerGlyValGluArgValValSerTer (NM_001378761.1).
Identifiers: ClinVar variation 3601871 (VCV003601871.1).